The following is an entry in ClinVar:

ClinVar aggregate classification (germline): Likely benign. Review status: criteria provided, multiple submitters, no conflicts (2 of 4 stars). 2 submissions from 2 submitters: Likely benign (2). Last evaluated 2023-08-15.

Conditions:
Ornithine carbamoyltransferase deficiency (OTCD). Also called: Ornithine Carbamoyltransferase Deficiency Disease; ORNITHINE TRANSCARBAMYLASE DEFICIENCY; OTC DEFICIENCY; ORNITHINE TRANSCARBAMYLASE DEFICIENCY, HYPERAMMONEMIA DUE TO. Identifiers: Orphanet 664, MedGen C0268542, MONDO:0010703, OMIM 311250.

Submissions (2):

All of Us Research Program, National Institutes of Health
Classification: Likely benign for Ornithine carbamoyltransferase deficiency. Last evaluated: 2023-08-15. Review status: criteria provided, single submitter. Criteria: ACMG Guidelines, 2015. Collection method: clinical testing. Allele origin: germline. Inheritance: X-linked inheritance. Observed: 1 variant allele, 1 homozygote.
Comment: This study involves interpretation of variants in research participants for the purpose of population health screening. Participant phenotype was not available at the time of variant classification. Additional details can be found in publication PMID: 35346344, PMCID: PMC8962531

Labcorp Genetics (formerly Invitae), Labcorp
Classification: Likely benign. Last evaluated: 2018-05-18. Review status: criteria provided, single submitter. Criteria: Invitae Variant Classification Sherloc (09022015). Collection method: clinical testing. Allele origin: germline.

NM_000531.6(OTC):c.541-8C>T

Gene: OTC (ornithine transcarbamylase; plus strand). Cytogenetic location: Xp11.4.
Variant type: single nucleotide variant.
Coding change: c.541-8C>T on transcript NM_000531.6 (MANE Select); 8 bases into the intron before coding-DNA position 541, C replaced by T.
Molecular consequence: intron variant.
Genome position (GRCh38, 1-based): chrX:38,403,610, C>T. VCF-style: chrX-38403610-C-T. GRCh37 (hg19) VCF-style: chrX-38262863-C-T.
Identifiers: ClinVar variation 740507 (VCV000740507.4), dbSNP rs1602030926, ClinGen allele CA915951008.
Genomic context (GRCh38, chrX:38,403,610, plus strand): 5'-CCTTAGTAATTGCTACACATAAGCGAATTTACGCCTGGATTTCATCTCCTTCATCCCGTG[C>T]CTTTTAGGAACACTATAGCTCTCTGAAAGGTCTTACCCTCAGCTGGATCGGGGATGGGAA-3'